The following is an entry in ClinVar:

NM_015662.3(IFT172):c.4428+4C>T

Gene: IFT172 (intraflagellar transport 172; minus strand). Cytogenetic location: 2p23.3.
Variant type: single nucleotide variant.
Coding change: c.4428+4C>T on transcript NM_015662.3 (MANE Select); 4 bases into the intron after coding-DNA position 4428, C replaced by T.
Molecular consequence: intron variant.
Genome position (GRCh38, 1-based): chr2:27,448,911, G>A on the plus strand (C>T on the coding strand, the complement: IFT172 is on the minus strand). VCF-style: chr2-27448911-G-A. GRCh37 (hg19) VCF-style: chr2-27671778-G-A.
Other names: c.4362+4C>T (NM_001410739.1); c.4428+4C>T (NM_015662.2).
Identifiers: ClinVar variation 3752415 (VCV003752415.3).

ClinVar aggregate classification (germline): Conflicting classifications of pathogenicity. Review status: criteria provided, conflicting classifications (1 of 4 stars). 2 submissions from 2 submitters: Uncertain significance (1); Likely benign (1). Last evaluated 2025-01-25.

Conditions:
IFT172-related disorder. Also called: IFT172-related condition; IFT172-related disorders.
Short-rib thoracic dysplasia 10 with or without polydactyly (SRTD10). Identifiers: Orphanet 474, MedGen C3810175, MONDO:0014284, OMIM 615630.
Retinitis pigmentosa 71 (RP71). Identifiers: Orphanet 791, MedGen C4225342, MONDO:0014618, OMIM 616394.

gnomAD v4.1: 10 of 1,393,474 alleles (0.00072%); highest among the groups gnomAD compares: Non-Finnish European, 0.001%; no homozygotes.

Submissions (2):

PreventionGenetics, part of Exact Sciences
Classification: Likely benign for IFT172-related condition. Last evaluated: 2025-01-25. Review status: criteria provided, single submitter. Criteria: ACMG Guidelines, 2015. Collection method: clinical testing. Allele origin: germline.
Comment: This variant is classified as likely benign based on ACMG/AMP sequence variant interpretation guidelines (Richards et al. 2015 PMID: 25741868, with internal and published modifications).

Labcorp Genetics (formerly Invitae), Labcorp
Classification: Uncertain significance for Retinitis pigmentosa 71; Short-rib thoracic dysplasia 10 with or without polydactyly. Last evaluated: 2024-11-19. Review status: criteria provided, single submitter. Criteria: Invitae Variant Classification Sherloc (09022015). Collection method: clinical testing. Allele origin: germline.
Comment: This sequence change falls in intron 40 of the IFT172 gene. It does not directly change the encoded amino acid sequence of the IFT172 protein. It affects a nucleotide within the consensus splice site. This variant is present in population databases (no rsID available, gnomAD 0.0009%). This variant has not been reported in the literature in individuals affected with IFT172-related conditions. Variants that disrupt the consensus splice site are a relatively common cause of aberrant splicing (PMID: 17576681, 9536098). Algorithms developed to predict the effect of sequence changes on RNA splicing suggest that this variant is not likely to affect RNA splicing. In summary, the available evidence is currently insufficient to determine the role of this variant in disease. Therefore, it has been classified as a Variant of Uncertain Significance.

Literature cited by the submitters: PubMed 17576681 (cited by Labcorp Genetics (formerly Invitae), Labcorp); PubMed 9536098 (cited by Labcorp Genetics (formerly Invitae), Labcorp).